The following is an entry in ClinVar:

ClinVar aggregate classification (germline): Pathogenic (1 of 4 stars; one submission).

Conditions:
Ehlers-Danlos syndrome, classic type, 1 (EDSCL1). Also called: EHLERS-DANLOS SYNDROME, GRAVIS TYPE; EHLERS-DANLOS SYNDROME, SEVERE CLASSIC TYPE; EDS I; Ehlers-Danlos Syndrome, Classic Type, COL5A1-Related; Ehlers-Danlos syndrome, type 1. Identifiers: MedGen C0268335, MONDO:0019567, OMIM 130000.
Osteogenesis imperfecta type I (OI1). Also called: OI, TYPE I; OSTEOGENESIS IMPERFECTA TARDA; OSTEOGENESIS IMPERFECTA WITH BLUE SCLERAE; Classic Non-deforming Osteogenesis Imperfecta with Blue Sclerae; Lobstein disease; Osteogenesis imperfecta type 1. Identifiers: Orphanet 216796, Orphanet 666, MedGen C0023931, MONDO:0008146, OMIM 166200. Disease mechanism: loss of function.

Submission:

Labcorp Genetics (formerly Invitae), Labcorp
Classification: Pathogenic for Osteogenesis imperfecta type I; Ehlers-Danlos syndrome, classic type, 1. Last evaluated: 2025-07-29. Review status: criteria provided, single submitter. Criteria: Invitae Variant Classification Sherloc (09022015). Collection method: clinical testing. Allele origin: germline.
Comment: This sequence change replaces glycine, which is neutral and non-polar, with aspartic acid, which is acidic and polar, at codon 919 of the COL1A2 protein (p.Gly919Asp). This variant is not present in population databases (gnomAD no frequency). This missense change has been observed in individuals with osteogenesis imperfecta type II (PMID: 24863959). ClinVar contains an entry for this variant (Variation ID: 456824). Invitae Evidence Modeling of protein sequence and biophysical properties (such as structural, functional, and spatial information, amino acid conservation, physicochemical variation, residue mobility, and thermodynamic stability) indicates that this missense variant is expected to disrupt COL1A2 protein function with a positive predictive value of 95%. This variant disrupts the triple helix domain of COL1A2. Glycine residues within the Gly-Xaa-Yaa repeats of the triple helix domain are required for the structure and stability of fibrillar collagens (PMID: 7695699, 8218237, 19344236). In COL1A2, variants affecting these glycine residues are significantly enriched in individuals with disease (PMID: 9016532, 17078022) compared to the general population (ExAC). For these reasons, this variant has been classified as Pathogenic.

Literature cited by the submitters: PubMed 24863959; PubMed 7695699; PubMed 8218237; PubMed 19344236; PubMed 9016532; PubMed 17078022.

NM_000089.4(COL1A2):c.2756G>A (p.Gly919Asp)

Gene: COL1A2 (collagen type I alpha 2 chain; plus strand). Cytogenetic location: 7q21.3.
Variant type: single nucleotide variant.
Coding change: c.2756G>A on transcript NM_000089.4 (MANE Select); coding-DNA position 2756, G replaced by A.
Protein change: p.Gly919Asp; replaces glycine 919 with aspartic acid.
Molecular consequence: missense variant.
Genome position (GRCh38, 1-based): chr7:94,425,199, G>A. VCF-style: chr7-94425199-G-A. GRCh37 (hg19) VCF-style: chr7-94054511-G-A.
Other names: short protein forms G919D.
Identifiers: ClinVar variation 456824 (VCV000456824.7), dbSNP rs1554398261, ClinGen allele CA368224545.